The following is an entry in ClinVar:

NM_000391.4(TPP1):c.960G>C (p.Val320=)

Gene: TPP1 (tripeptidyl peptidase 1; minus strand). Cytogenetic location: 11p15.4.
Variant type: single nucleotide variant.
Coding change: c.960G>C on transcript NM_000391.4 (MANE Select); coding-DNA position 960, G replaced by C.
Protein change: p.Val320=; no amino-acid change (valine 320 retained).
Molecular consequence: synonymous variant.
Genome position (GRCh38, 1-based): chr11:6,616,430, C>G on the plus strand (G>C on the coding strand, the complement: TPP1 is on the minus strand). VCF-style: chr11-6616430-C-G. GRCh37 (hg19) VCF-style: chr11-6637661-C-G.
Identifiers: ClinVar variation 510021 (VCV000510021.1), dbSNP rs1554901808, ClinGen allele CA379474386.

ClinVar aggregate classification (germline): Likely benign (1 of 4 stars; one submission).

Submission:

GeneDx
Classification: Likely benign. Last evaluated: 2017-06-07. Review status: criteria provided, single submitter. Criteria: GeneDx Variant Classification (06012015). Collection method: clinical testing. Allele origin: germline. Affected: yes.
Comment: This variant is considered likely benign or benign based on one or more of the following criteria: it is a conservative change, it occurs at a poorly conserved position in the protein, it is predicted to be benign by multiple in silico algorithms, and/or has population frequency not consistent with disease.